The following is an entry in ClinVar:

NC_000022.11:g.(?_18874809)_(21570956_?)del

Genes: AIFM3 (AIF family member 3; plus strand), ARVCF (ARVCF delta catenin family member; minus strand), C22orf39 (chromosome 22 open reading frame 39; minus strand), CCDC188 (coiled-coil domain containing 188; minus strand), CDC45 (cell division cycle 45; plus strand) and 191 more. Cytogenetic location: 22q11.21.
Variant type: Deletion.
Identifiers: ClinVar variation 4974535 (VCV004974535.1).

ClinVar aggregate classification (germline): Pathogenic (1 of 4 stars; one submission).

Conditions:
DiGeorge syndrome. Also called: THIRD AND FOURTH PHARYNGEAL POUCH SYNDROME; Catch22. Identifiers: Orphanet 567, MedGen C0012236, MONDO:0008564, OMIM 188400.

Submission:

Solve-RD Consortium
Classification: Pathogenic for DiGeorge syndrome. Review status: criteria provided, single submitter. Criteria: ACMG/ClinGen CNV Guidelines, 2019. Collection method: provider interpretation. Allele origin: germline. Inheritance: Autosomal dominant inheritance. Affected: yes. Study: Solve-RD DIFT-EpiCARE reanalysis.
Comment: 2A, 3C, 4L

Variant identified during reanalysis of unsolved cases by the Solve-RD project. The Solve-RD project has received funding from the European Union’s Horizon 2020 research and innovation programme under grant agreement No 779257.